The following is an entry in ClinVar:

NM_001166108.2(PALLD):c.3274A>G (p.Thr1092Ala)

Genes: CBR4 (carbonyl reductase 4; minus strand), PALLD (palladin, cytoskeletal associated protein; plus strand). Cytogenetic location: 4q32.3.
Variant type: single nucleotide variant.
Coding change: c.3274A>G on transcript NM_001166108.2 (MANE Select); coding-DNA position 3274, A replaced by G.
Protein change: p.Thr1092Ala; replaces threonine 1092 with alanine.
Molecular consequence: missense variant.
Genome position (GRCh38, 1-based): chr4:168,924,994, A>G. VCF-style: chr4-168924994-A-G. GRCh37 (hg19) VCF-style: chr4-169846145-A-G.
Other names: c.2077A>G, p.Thr693Ala (NM_001166109.2); c.1762A>G, p.Thr588Ala (NM_001166110.2); c.1102A>G, p.Thr368Ala (NM_001367567.1, NM_001367569.1); c.1153A>G, p.Thr385Ala (NM_001367568.1, NM_001367570.1); c.3223A>G, p.Thr1075Ala (NM_016081.4); short protein forms T1075A, T368A, T385A, T693A, T1092A, T588A.
Identifiers: ClinVar variation 3927494 (VCV003927494.1).

ClinVar aggregate classification (germline): Uncertain significance (1 of 4 stars; one submission).

gnomAD v4.1: 1 of 1,614,154 alleles (0.000062%); highest among the groups gnomAD compares: African/African-American, 0.0013%; no homozygotes.

Submission:

Ambry Genetics
Classification: Uncertain significance. Last evaluated: 2025-05-10. Review status: criteria provided, single submitter. Criteria: Ambry Variant Classification Scheme 2023. Collection method: clinical testing. Allele origin: germline.
Comment: The p.T588A variant (also known as c.1762A>G), located in coding exon 10 of the PALLD gene, results from an A to G substitution at nucleotide position 1762. The threonine at codon 588 is replaced by alanine, an amino acid with similar properties. This amino acid position is conserved. In addition, this alteration is predicted to be tolerated by in silico analysis. Based on the available evidence, the clinical significance of this variant remains unclear.